The following is an entry in ClinVar:

NM_003114.5(SPAG1):c.1364T>G (p.Leu455Arg)

Genes: SPAG1 (sperm associated antigen 1; plus strand), LOC130000832 (ATAC-STARR-seq lymphoblastoid silent region 19412; plus strand). Cytogenetic location: 8q22.2.
Variant type: single nucleotide variant.
Coding change: c.1364T>G on transcript NM_003114.5 (MANE Select); coding-DNA position 1364, T replaced by G.
Protein change: p.Leu455Arg; replaces leucine 455 with arginine.
Molecular consequence: missense variant.
Genome position (GRCh38, 1-based): chr8:100,213,357, T>G. VCF-style: chr8-100213357-T-G. GRCh37 (hg19) VCF-style: chr8-101225585-T-G.
Other names: c.1364T>G, p.Leu455Arg (NM_001374321.1, NM_172218.3); short protein forms L455R.
Identifiers: ClinVar variation 2719831 (VCV002719831.3), dbSNP rs1406983839, ClinGen allele CA371809484.
Genomic context (GRCh38, chr8:100,213,357, plus strand): 5'-ATCCGGGCGGCGGGCAGGGCGCGGAGAACCCTGCCGGCCTGAAGAGCCAGGGCAACGAGC[T>G]GTTCCGAAGCGGGCAGTTCGCCGAGGCGGCCGGCAAGTACTCGGCGGCAATCGCGCTCCT-3'
Protein context (NP_003105.2, residues 445-465): PAGLKSQGNE[Leu455Arg]FRSGQFAEAA

ClinVar aggregate classification (germline): Uncertain significance (1 of 4 stars; one submission).

Conditions:
Primary ciliary dyskinesia 28. Also called: CILIARY DYSKINESIA, PRIMARY, 28, WITH OR WITHOUT SITUS INVERSUS. Identifiers: Orphanet 244, MedGen C3809706, MONDO:0014216, OMIM 615505.

gnomAD v4.1: 4 of 1,426,772 alleles (0.00028%); highest among the groups gnomAD compares: Middle Eastern, 0.023%; no homozygotes.

Submission:

Labcorp Genetics (formerly Invitae), Labcorp
Classification: Uncertain significance for Primary ciliary dyskinesia 28. Last evaluated: 2023-10-22. Review status: criteria provided, single submitter. Criteria: Invitae Variant Classification Sherloc (09022015). Collection method: clinical testing. Allele origin: germline.
Comment: This sequence change replaces leucine, which is neutral and non-polar, with arginine, which is basic and polar, at codon 455 of the SPAG1 protein (p.Leu455Arg). The frequency data for this variant in the population databases is considered unreliable, as metrics indicate poor data quality at this position in the gnomAD database. This variant has not been reported in the literature in individuals affected with SPAG1-related conditions. Advanced modeling of protein sequence and biophysical properties (such as structural, functional, and spatial information, amino acid conservation, physicochemical variation, residue mobility, and thermodynamic stability) performed at Invitae indicates that this missense variant is expected to disrupt SPAG1 protein function. In summary, the available evidence is currently insufficient to determine the role of this variant in disease. Therefore, it has been classified as a Variant of Uncertain Significance.